The following is an entry in ClinVar:

NM_007294.4(BRCA1):c.4412G>T (p.Gly1471Val)

Gene: BRCA1 (BRCA1 DNA repair associated; minus strand). Cytogenetic location: 17q21.31.
Variant type: single nucleotide variant.
Coding change: c.4412G>T on transcript NM_007294.4 (MANE Select); coding-DNA position 4412, G replaced by T.
Protein change: p.Gly1471Val; replaces glycine 1471 with valine.
Molecular consequence: missense variant. On other transcripts: non-coding transcript variant (1).
Genome position (GRCh38, 1-based): chr17:43,076,560, C>A on the plus strand (G>T on the coding strand, the complement: BRCA1 is on the minus strand). VCF-style: chr17-43076560-C-A. GRCh37 (hg19) VCF-style: chr17-41228577-C-A.
Other names: c.4199G>T, p.Gly1400Val (NM_001407571.1, NM_001407894.1, NM_001407895.1 and 12 more transcripts); c.4478G>T, p.Gly1493Val (NM_001407581.1, NM_001407582.1); c.4475G>T, p.Gly1492Val (NM_001407583.1, NM_001407585.1, NM_001407587.1 and 1 more transcripts); c.4472G>T, p.Gly1491Val (NM_001407590.1, NM_001407591.1); c.4412G>T, p.Gly1471Val (NM_001407593.1, NM_001407594.1, NM_001407596.1 and 8 more transcripts); c.4409G>T, p.Gly1470Val (NM_001407610.1, NM_001407611.1, NM_001407622.1 and 17 more transcripts); c.4406G>T, p.Gly1469Val (NM_001407627.1, NM_001407628.1, NM_001407629.1 and 14 more transcripts); c.4403G>T, p.Gly1468Val (NM_001407644.1, NM_001407645.1); and 68 more; short protein forms G1471V, G367V, G1424V, G1492V, G1174V, G1342V, G1359V, G1400V.
Identifiers: ClinVar variation 485391 (VCV000485391.18), dbSNP rs587782708, ClinGen allele CA10592710.

ClinVar aggregate classification (germline): Uncertain significance. Review status: criteria provided, multiple submitters, no conflicts (2 of 4 stars). 3 submissions from 3 submitters: Uncertain significance (3). Last evaluated 2025-08-13.

Conditions:
Hereditary cancer-predisposing syndrome. Also called: Tumor predisposition; Hereditary Cancer Syndrome; Hereditary neoplastic syndrome; Neoplastic Syndromes, Hereditary. Identifiers: Orphanet 140162, MedGen C0027672, MeSH D009386, MONDO:0015356.
Hereditary breast ovarian cancer syndrome. Also called: Breast and ovarian cancer; Hereditary breast and/or ovarian cancer syndrome; BRCA1- and BRCA2-Associated Hereditary Breast and Ovarian Cancer; Hereditary breast and ovarian cancer syndrome; Hereditary breast and ovarian cancer syndrome (HBOC); Hereditary breast and ovarian cancer. Identifiers: Orphanet 145, MedGen C0677776, MeSH D061325, MONDO:0003582. Disease mechanism: loss of function.
Breast-ovarian cancer, familial, susceptibility to, 1 (BROVCA1). Also called: BRCA1 Hereditary Breast and Ovarian Cancer; OVARIAN CANCER, SUSCEPTIBILITY TO. Identifiers: Orphanet 145, MedGen C2676676, MONDO:0011450, OMIM 604370. Disease mechanism: loss of function.

Submissions (3):

Labcorp Genetics (formerly Invitae), Labcorp
Classification: Uncertain significance for Hereditary breast ovarian cancer syndrome. Last evaluated: 2025-08-13. Review status: criteria provided, single submitter. Criteria: Invitae Variant Classification Sherloc (09022015). Collection method: clinical testing. Allele origin: germline.
Comment: This sequence change replaces glycine, which is neutral and non-polar, with valine, which is neutral and non-polar, at codon 1471 of the BRCA1 protein (p.Gly1471Val). This variant is not present in population databases (gnomAD no frequency). This variant has not been reported in the literature in individuals affected with BRCA1-related conditions. ClinVar contains an entry for this variant (Variation ID: 485391). Invitae Evidence Modeling of protein sequence and biophysical properties (such as structural, functional, and spatial information, amino acid conservation, physicochemical variation, residue mobility, and thermodynamic stability) indicates that this missense variant is not expected to disrupt BRCA1 protein function with a negative predictive value of 95%. In summary, the available evidence is currently insufficient to determine the role of this variant in disease. Therefore, it has been classified as a Variant of Uncertain Significance.

Ambry Genetics
Classification: Uncertain significance for Hereditary cancer-predisposing syndrome. Last evaluated: 2024-10-11. Review status: criteria provided, single submitter. Criteria: Ambry Variant Classification Scheme 2023. Collection method: clinical testing. Allele origin: germline.
Comment: The p.G1471V variant (also known as c.4412G>T), located in coding exon 12 of the BRCA1 gene, results from a G to T substitution at nucleotide position 4412. The glycine at codon 1471 is replaced by valine, an amino acid with dissimilar properties. This alteration was identified in an individual diagnosed with breast cancer (Saied MH et al. Mol Med Rep, 2021 Sep;24:). This amino acid position is poorly conserved in available vertebrate species. In addition, this alteration is predicted to be tolerated by in silico analysis. Based on the available evidence, the clinical significance of this variant remains unclear.

All of Us Research Program, National Institutes of Health
Classification: Uncertain significance for Breast-ovarian cancer, familial, susceptibility to, 1. Last evaluated: 2024-02-05. Review status: criteria provided, single submitter. Criteria: ACMG Guidelines, 2015. Collection method: clinical testing. Allele origin: germline. Inheritance: Autosomal dominant inheritance. Observed: 1 variant allele, 1 heterozygote.
Comment: This missense variant replaces glycine with valine at codon 1471 of the BRCA1 protein. Computational prediction suggests that this variant may not impact protein structure and function. To our knowledge, functional studies have not been reported for this variant. This variant has been reported in an individual affected with breast cancer (PMID: 34296289). A multifactorial analysis reported a likelihood ratio for pathogenicity based on personal and family history of log(LR)=-0.5858114958 (PMID: 31853058). This variant has not been identified in the general population by the Genome Aggregation Database (gnomAD). The available evidence is insufficient to determine the role of this variant in disease conclusively. Therefore, this variant is classified as a Variant of Uncertain Significance.

This study involves interpretation of variants in research participants for the purpose of population health screening. Participant phenotype was not available at the time of variant classification. Additional details can be found in publication PMID: 35346344, PMCID: PMC8962531

Literature cited by the submitters: PubMed 34296289 (cited by Ambry Genetics and All of Us Research Program, National Institutes of Health); PubMed 31853058 (cited by All of Us Research Program, National Institutes of Health).